The following is an entry in ClinVar:

ClinVar aggregate classification (germline): Uncertain significance. Review status: criteria provided, multiple submitters, no conflicts (2 of 4 stars). 2 submissions from 2 submitters: Uncertain significance (2). Last evaluated 2025-10-07.

Allele frequency attached by ClinVar (database versions not stated): TOPMed 0.00001; ExAC 0.00003; gnomAD exomes 0.00005.
gnomAD v4.1: 14 of 1,612,736 alleles (0.00087%); highest among the groups gnomAD compares: Admixed American, 0.023%; no homozygotes.

Submissions (2):

Ambry Genetics
Classification: Uncertain significance. Last evaluated: 2025-10-07. Review status: criteria provided, single submitter. Criteria: Ambry Variant Classification Scheme 2023. Collection method: clinical testing. Allele origin: germline.

Labcorp Genetics (formerly Invitae), Labcorp
Classification: Uncertain significance. Last evaluated: 2024-12-12. Review status: criteria provided, single submitter. Criteria: Invitae Variant Classification Sherloc (09022015). Collection method: clinical testing. Allele origin: germline.
Comment: This sequence change replaces leucine, which is neutral and non-polar, with phenylalanine, which is neutral and non-polar, at codon 2248 of the HMCN1 protein (p.Leu2248Phe). This variant is present in population databases (rs765779034, gnomAD 0.04%), and has an allele count higher than expected for a pathogenic variant. This variant has not been reported in the literature in individuals affected with HMCN1-related conditions. ClinVar contains an entry for this variant (Variation ID: 1391214). An algorithm developed to predict the effect of missense changes on protein structure and function (PolyPhen-2) suggests that this variant is likely to be tolerated. In summary, the available evidence is currently insufficient to determine the role of this variant in disease. Therefore, it has been classified as a Variant of Uncertain Significance.

NM_031935.3(HMCN1):c.6744A>T (p.Leu2248Phe)

Gene: HMCN1 (hemicentin 1; plus strand). Cytogenetic location: 1q31.1.
Variant type: single nucleotide variant.
Coding change: c.6744A>T on transcript NM_031935.3 (MANE Select); coding-DNA position 6744, A replaced by T.
Protein change: p.Leu2248Phe; replaces leucine 2248 with phenylalanine.
Molecular consequence: missense variant.
Genome position (GRCh38, 1-based): chr1:186,053,868, A>T. VCF-style: chr1-186053868-A-T. GRCh37 (hg19) VCF-style: chr1-186023000-A-T.
Other names: c.6744A>T (NM_031935.2); short protein forms L2248F.
Identifiers: ClinVar variation 1391214 (VCV001391214.7), dbSNP rs765779034, ClinGen allele CA1292658.